The following is an entry in ClinVar:

ClinVar aggregate classification (germline): Uncertain significance (1 of 4 stars; one submission).

gnomAD v4.1: 1 of 1,554,154 alleles (0.000064%); highest among the groups gnomAD compares: Non-Finnish European, 0.000087%; no homozygotes.

Submission:

Labcorp Genetics (formerly Invitae), Labcorp
Classification: Uncertain significance. Last evaluated: 2025-12-10. Review status: criteria provided, single submitter. Criteria: Invitae Variant Classification Sherloc (09022015). Collection method: clinical testing. Allele origin: germline.
Comment: This sequence change replaces proline, which is neutral and non-polar, with serine, which is neutral and polar, at codon 34 of the COL9A2 protein (p.Pro34Ser). This variant is not present in population databases (gnomAD no frequency). This variant has not been reported in the literature in individuals affected with COL9A2-related conditions. ClinVar contains an entry for this variant (Variation ID: 2001934). Experimental studies and prediction algorithms are not available or were not evaluated, and the functional significance of this variant is currently unknown. In summary, the available evidence is currently insufficient to determine the role of this variant in disease. Therefore, it has been classified as a Variant of Uncertain Significance.

NM_001852.4(COL9A2):c.100C>T (p.Pro34Ser)

Genes: COL9A2 (collagen type IX alpha 2 chain; minus strand), LOC129930261 (ATAC-STARR-seq lymphoblastoid silent region 724; plus strand). Cytogenetic location: 1p34.2.
Variant type: single nucleotide variant.
Coding change: c.100C>T on transcript NM_001852.4 (MANE Select); coding-DNA position 100, C replaced by T.
Protein change: p.Pro34Ser; replaces proline 34 with serine.
Molecular consequence: missense variant.
Genome position (GRCh38, 1-based): chr1:40,315,640, G>A on the plus strand (C>T on the coding strand, the complement: COL9A2 is on the minus strand). VCF-style: chr1-40315640-G-A. GRCh37 (hg19) VCF-style: chr1-40781312-G-A.
Other names: short protein forms P34S.
Identifiers: ClinVar variation 2001934 (VCV002001934.4), dbSNP rs2522578413, ClinGen allele CA339859846.